The following is an entry in ClinVar:

NC_000011.10:g.(?_47346187)_(47351525_?)del

Gene: MYBPC3 (myosin binding protein C3; minus strand). Cytogenetic location: 11p11.2.
Variant type: Deletion.
Identifiers: ClinVar variation 583988 (VCV000583988.6).

ClinVar aggregate classification (germline): Uncertain significance (1 of 4 stars; one submission).

Conditions:
Hypertrophic cardiomyopathy. Also called: HYPERTROPHIC MYOCARDIOPATHY. Identifiers: Orphanet 217569, MedGen C0007194, MeSH D002312, MONDO:0005045, HP:0001639.

Submission:

Labcorp Genetics (formerly Invitae), Labcorp
Classification: Uncertain significance for Hypertrophic cardiomyopathy. Last evaluated: 2023-12-14. Review status: criteria provided, single submitter. Criteria: Invitae Variant Classification Sherloc (09022015). Collection method: clinical testing. Allele origin: germline.
Comment: This variant is a gross deletion of the genomic region encompassing exon(s) 2-12 of the MYBPC3 gene. This variant would be expected to be in-frame, preserving the integrity of the reading frame. This variant has not been reported in the literature in individuals affected with MYBPC3-related conditions. Experimental studies and prediction algorithms are not available or were not evaluated, and the functional significance of this variant is currently unknown. In summary, the available evidence is currently insufficient to determine the role of this variant in disease. Therefore, it has been classified as a Variant of Uncertain Significance.